The following is an entry in ClinVar:

ClinVar aggregate classification (germline): Benign/Likely benign. Review status: criteria provided, multiple submitters, no conflicts (2 of 4 stars). 2 submissions from 2 submitters: Benign (1); Likely benign (1). Last evaluated 2024-04-29.

Conditions:
Familial cancer of breast. Also called: Hereditary breast cancer; BREAST CANCER, FAMILIAL; hereditary breast carcinoma. Identifiers: Orphanet 227535, MedGen C0346153, MONDO:0016419, OMIM 114480. Disease mechanism: loss of function.
Ataxia-telangiectasia syndrome (AT). Also called: Ataxia-telangiectasia; Cerebello-oculocutaneous telangiectasia; Immunodeficiency with ataxia telangiectasia; ATAXIA-TELANGIECTASIA, COMPLEMENTATION GROUP A; ATAXIA-TELANGIECTASIA, FRESNO VARIANT; Ataxia-telangiectasia, complementation group D. Identifiers: Orphanet 100, MedGen C0004135, MONDO:0008840, OMIM 208900.

Allele frequency attached by ClinVar (database versions not stated): gnomAD 0.00001.
gnomAD v4.1: 1 of 1,614,058 alleles (0.000062%); highest among the groups gnomAD compares: African/African-American, 0.0013%; no homozygotes.

Submissions (2):

Myriad Genetics, Inc.
Classification: Benign for Familial cancer of breast. Last evaluated: 2024-04-29. Review status: criteria provided, single submitter. Criteria: Myriad Autosomal Dominant, Autosomal Recessive and X-Linked Classification Criteria (2023). Collection method: clinical testing. Allele origin: unknown.
Comment: This variant is considered benign. This variant is a silent/synonymous amino acid change and it is not expected to impact splicing.

Labcorp Genetics (formerly Invitae), Labcorp
Classification: Likely benign for Ataxia-telangiectasia syndrome. Last evaluated: 2016-07-27. Review status: criteria provided, single submitter. Criteria: Invitae Variant Classification Sherloc (09022015). Collection method: clinical testing. Allele origin: germline.

NM_000051.4(ATM):c.1536T>A (p.Ile512=)

Gene: ATM (ATM serine/threonine kinase; plus strand). Cytogenetic location: 11q22.3.
Variant type: single nucleotide variant.
Coding change: c.1536T>A on transcript NM_000051.4 (MANE Select); coding-DNA position 1536, T replaced by A.
Protein change: p.Ile512=; no amino-acid change (isoleucine 512 retained).
Molecular consequence: synonymous variant.
Genome position (GRCh38, 1-based): chr11:108,251,001, T>A. VCF-style: chr11-108251001-T-A. GRCh37 (hg19) VCF-style: chr11-108121728-T-A.
Other names: c.1536T>A, p.Ile512= (NM_001351834.2).
Identifiers: ClinVar variation 414586 (VCV000414586.10), dbSNP rs1060504296, ClinGen allele CA16613324.